The following is an entry in ClinVar:

ClinVar aggregate classification (germline): Likely benign (0 of 4 stars; one submission).

Conditions:
POMC-related disorder. Also called: POMC-related disorders; POMC-related condition.

gnomAD v4.1: 26 of 1,613,170 alleles (0.0016%); highest among the groups gnomAD compares: Non-Finnish European, 0.0022%; no homozygotes.

Submission:

PreventionGenetics, part of Exact Sciences
Classification: Likely benign for POMC-related condition. Last evaluated: 2020-01-28. Review status: no assertion criteria provided. Collection method: clinical testing. Allele origin: germline.
Comment: This variant is classified as likely benign based on ACMG/AMP sequence variant interpretation guidelines (Richards et al. 2015 PMID: 25741868, with internal and published modifications).

NM_000939.4(POMC):c.663C>T (p.Tyr221=)

Gene: POMC (proopiomelanocortin; minus strand). Cytogenetic location: 2p23.3.
Variant type: single nucleotide variant.
Coding change: c.663C>T on transcript NM_000939.4 (MANE Select); coding-DNA position 663, C replaced by T.
Protein change: p.Tyr221=; no amino-acid change (tyrosine 221 retained).
Molecular consequence: synonymous variant.
Genome position (GRCh38, 1-based): chr2:25,161,222, G>A on the plus strand (C>T on the coding strand, the complement: POMC is on the minus strand). VCF-style: chr2-25161222-G-A. GRCh37 (hg19) VCF-style: chr2-25384091-G-A.
Other names: c.663C>T, p.Tyr221= (NM_001035256.3, NM_001319204.2, NM_001319205.2).
Identifiers: ClinVar variation 3348151 (VCV003348151.1).